The following is an entry in ClinVar:

NM_001377.3(DYNC2H1):c.6836T>G (p.Leu2279Ter)

Gene: DYNC2H1 (dynein cytoplasmic 2 heavy chain 1; plus strand). Cytogenetic location: 11q22.3.
Variant type: single nucleotide variant.
Coding change: c.6836T>G on transcript NM_001377.3 (MANE Select); coding-DNA position 6836, T replaced by G.
Protein change: p.Leu2279Ter; replaces leucine 2279 with a stop codon.
Molecular consequence: nonsense.
Genome position (GRCh38, 1-based): chr11:103,186,444, T>G. VCF-style: chr11-103186444-T-G. GRCh37 (hg19) VCF-style: chr11-103057173-T-G.
Other names: c.6836T>G, p.Leu2279Ter (NM_001080463.2); short protein forms L2279*.
Identifiers: ClinVar variation 5013954 (VCV005013954.1).

ClinVar aggregate classification (germline): Pathogenic (1 of 4 stars; one submission).

Conditions:
Asphyxiating thoracic dystrophy 3. Also called: Saldino-Noonan Syndrome; SHORT-RIB THORACIC DYSPLASIA 3 WITH OR WITHOUT POLYDACTYLY; POLYDACTYLY WITH NEONATAL CHONDRODYSTROPHY, TYPE I; SHORT-RIB THORACIC DYSPLASIA 3/6 WITH POLYDACTYLY, DIGENIC; Short rib polydactyly syndrome 2B. Identifiers: Orphanet 474, Orphanet 93269, Orphanet 93270, Orphanet 93271, MedGen C0036069, MONDO:0013127, OMIM 613091.

gnomAD v4.1: 2 of 1,612,540 alleles (0.00012%); highest among the groups gnomAD compares: Non-Finnish European, 0.00017%; no homozygotes.

Submission:

Myriad Genetics, Inc.
Classification: Pathogenic for Asphyxiating thoracic dystrophy 3. Last evaluated: 2025-01-13. Review status: criteria provided, single submitter. Criteria: Myriad Autosomal Dominant, Autosomal Recessive and X-Linked Classification Criteria (2023). Collection method: clinical testing. Allele origin: unknown.
Comment: NM_001377.2(DYNC2H1):c.6836T>G(L2279*) is expected to be pathogenic in the context of DYNC2H1-related disorders. This variant is predicted to lead to an abnormal or absent protein product due to the creation of a premature termination codon in DYNC2H1, a gene where loss-of-function variants are known to be pathogenic. Please note: this variant was assessed in the context of healthy population screening.